The following is an entry in ClinVar:

ClinVar aggregate classification (germline): Uncertain significance (1 of 4 stars; one submission).

Allele frequency attached by ClinVar (database versions not stated): TOPMed 0.00007; gnomAD 0.00010; gnomAD exomes 0.00014; ExAC 0.00015.

Submission:

Labcorp Genetics (formerly Invitae), Labcorp
Classification: Uncertain significance. Last evaluated: 2022-01-21. Review status: criteria provided, single submitter. Criteria: Invitae Variant Classification Sherloc (09022015). Collection method: clinical testing. Allele origin: germline.
Comment: In summary, the available evidence is currently insufficient to determine the role of this variant in disease. Therefore, it has been classified as a Variant of Uncertain Significance. Algorithms developed to predict the effect of missense changes on protein structure and function output the following: SIFT: "Tolerated"; PolyPhen-2: "Not Available"; Align-GVGD: "Class C0". The arginine amino acid residue is found in multiple mammalian species, which suggests that this missense change does not adversely affect protein function. This variant has not been reported in the literature in individuals affected with AGTR1-related conditions. This variant is present in population databases (rs200411216, gnomAD 0.05%), including at least one homozygous and/or hemizygous individual. This sequence change replaces lysine, which is basic and polar, with arginine, which is basic and polar, at codon 360 of the AGTR1 protein (p.Lys360Arg).

NM_000685.5(AGTR1):c.974A>G (p.Lys325Arg)

Gene: AGTR1 (angiotensin II receptor type 1; plus strand). Cytogenetic location: 3q24.
Variant type: single nucleotide variant.
Coding change: c.974A>G on transcript NM_000685.5 (MANE Select); coding-DNA position 974, A replaced by G.
Protein change: p.Lys325Arg; replaces lysine 325 with arginine.
Molecular consequence: missense variant.
Genome position (GRCh38, 1-based): chr3:148,742,009, A>G. VCF-style: chr3-148742009-A-G. GRCh37 (hg19) VCF-style: chr3-148459796-A-G.
Other names: c.974A>G, p.Lys325Arg (NM_001382736.1, NM_001382737.1, NM_004835.5 and 3 more transcripts); short protein forms K325R.
Identifiers: ClinVar variation 2075905 (VCV002075905.3), dbSNP rs200411216, ClinGen allele CA2657423.